The following is an entry in ClinVar:

ClinVar aggregate classification (germline): Likely benign. Review status: criteria provided, multiple submitters, no conflicts (2 of 4 stars). 3 submissions from 3 submitters: Likely benign (3). Last evaluated 2025-10-02.

Conditions:
Glycogen storage disease IXb (GSD9B). Also called: GLYCOGENOSIS OF LIVER AND MUSCLE, AUTOSOMAL RECESSIVE; GSD IXb; PHOSPHORYLASE KINASE DEFICIENCY OF LIVER AND MUSCLE, AUTOSOMAL RECESSIVE. Identifiers: Orphanet 79240, MedGen C0543514, MONDO:0009868, OMIM 261750.

Allele frequency attached by ClinVar (database versions not stated): gnomAD exomes 0.00001; ExAC 0.00002; gnomAD 0.00004; TOPMed 0.00007; ESP Exome Variant Server 0.00008.
gnomAD v4.1: 18 of 1,613,786 alleles (0.0011%); highest among the groups gnomAD compares: African/African-American, 0.02%; no homozygotes.

Submissions (3):

Labcorp Genetics (formerly Invitae), Labcorp
Classification: Likely benign for Glycogen storage disease IXb. Last evaluated: 2025-10-02. Review status: criteria provided, single submitter. Criteria: Invitae Variant Classification Sherloc (09022015). Collection method: clinical testing. Allele origin: germline.

Blueprint Genetics
Classification: Likely benign. Last evaluated: 2019-11-26. Review status: criteria provided, single submitter. Criteria: ACMG Guidelines, 2015. Collection method: clinical testing. Allele origin: germline.

GeneDx
Classification: Likely benign. Last evaluated: 2016-09-07. Review status: criteria provided, single submitter. Criteria: GeneDx Variant Classification (06012015). Collection method: clinical testing. Allele origin: germline. Affected: yes.
Comment: This variant is considered likely benign or benign based on one or more of the following criteria: it is a conservative change, it occurs at a poorly conserved position in the protein, it is predicted to be benign by multiple in silico algorithms, and/or has population frequency not consistent with disease.

NM_000293.3(PHKB):c.2689T>C (p.Leu897=)

Gene: PHKB (phosphorylase kinase regulatory subunit beta; plus strand). Cytogenetic location: 16q12.1.
Variant type: single nucleotide variant.
Coding change: c.2689T>C on transcript NM_000293.3 (MANE Select); coding-DNA position 2689, T replaced by C.
Protein change: p.Leu897=; no amino-acid change (leucine 897 retained).
Molecular consequence: synonymous variant.
Genome position (GRCh38, 1-based): chr16:47,689,099, T>C. VCF-style: chr16-47689099-T-C. GRCh37 (hg19) VCF-style: chr16-47723010-T-C.
Other names: c.2668T>C, p.Leu890= (NM_001031835.3); c.2689T>C, p.Leu897= (NM_001363837.1).
Identifiers: ClinVar variation 388700 (VCV000388700.10), dbSNP rs369059693, ClinGen allele CA8041315.